The following is an entry in ClinVar:

ClinVar aggregate classification (germline): Likely benign (0 of 4 stars; one submission).

Conditions:
LRP1-related disorder. Also called: LRP1-related condition.

Allele frequency attached by ClinVar (database versions not stated): TOPMed 0.00001; ExAC 0.00003; gnomAD 0.00003.
gnomAD v4.1: 37 of 1,610,832 alleles (0.0023%); highest among the groups gnomAD compares: East Asian, 0.0067%; no homozygotes.

Submission:

PreventionGenetics, part of Exact Sciences
Classification: Likely benign for LRP1-related condition. Last evaluated: 2020-06-29. Review status: no assertion criteria provided. Collection method: clinical testing. Allele origin: germline.
Comment: This variant is classified as likely benign based on ACMG/AMP sequence variant interpretation guidelines (Richards et al. 2015 PMID: 25741868, with internal and published modifications).

NM_002332.3(LRP1):c.7918+10G>A

Gene: LRP1 (LDL receptor related protein 1; plus strand). Cytogenetic location: 12q13.3.
Variant type: single nucleotide variant.
Coding change: c.7918+10G>A on transcript NM_002332.3 (MANE Select); 10 bases into the intron after coding-DNA position 7918, G replaced by A.
Molecular consequence: intron variant.
Genome position (GRCh38, 1-based): chr12:57,194,022, G>A. VCF-style: chr12-57194022-G-A. GRCh37 (hg19) VCF-style: chr12-57587805-G-A.
Identifiers: ClinVar variation 3036901 (VCV003036901.2), dbSNP rs564537115, ClinGen allele CA6644203.